The following is an entry in ClinVar:

NC_000001.10:g.(?_153782653)_(153964569_?)del

Genes: CREB3L4 (cAMP responsive element binding protein 3 like 4; plus strand), CRTC2 (CREB regulated transcription coactivator 2; minus strand), DENND4B (DENN domain containing 4B; minus strand), GATAD2B (GATA zinc finger domain containing 2B; minus strand), JTB (jumping translocation breakpoint; minus strand) and 3 more. Cytogenetic location: 1q21.3.
Variant type: Deletion.
Identifiers: ClinVar variation 2426580 (VCV002426580.4).

ClinVar aggregate classification (germline): Pathogenic (1 of 4 stars; one submission).

Submission:

Labcorp Genetics (formerly Invitae), Labcorp
Classification: Pathogenic. Last evaluated: 2022-08-07. Review status: criteria provided, single submitter. Criteria: Invitae Variant Classification Sherloc (09022015). Collection method: clinical testing. Allele origin: germline.
Comment: For these reasons, this variant has been classified as Pathogenic. Isolated whole-gene deletion of GATAD2B have not been reported in the literature. However, larger copy number events that include this gene have been reported (PMID: 23644463, 28211977). A gross deletion of the genomic region encompassing the full coding sequence of the GATAD2B gene has been identified. Loss-of-function variants in GATAD2B are known to be pathogenic (PMID: 23033978, 25356899, 27159321). The boundaries of this event are unknown as they extend beyond the assayed region for this gene and therefore may encompass additional genes.

Literature cited by the submitters: PubMed 23644463; PubMed 28211977; PubMed 23033978; PubMed 25356899; PubMed 27159321.